The following is an entry in ClinVar:

NM_182961.4(SYNE1):c.17494G>A (p.Asp5832Asn)

Genes: SYNE1 (spectrin repeat containing nuclear envelope protein 1; minus strand), LOC129997480 (ATAC-STARR-seq lymphoblastoid active region 25287; plus strand). Cytogenetic location: 6q25.2.
Variant type: single nucleotide variant.
Coding change: c.17494G>A on transcript NM_182961.4 (MANE Select); coding-DNA position 17494, G replaced by A.
Protein change: p.Asp5832Asn; replaces aspartic acid 5832 with asparagine.
Molecular consequence: missense variant.
Genome position (GRCh38, 1-based): chr6:152,301,916, C>T on the plus strand (G>A on the coding strand, the complement: SYNE1 is on the minus strand). VCF-style: chr6-152301916-C-T. GRCh37 (hg19) VCF-style: chr6-152623051-C-T.
Other names: c.17281G>A, p.Asp5761Asn (NM_033071.5); short protein forms D5761N, D5832N.
Identifiers: ClinVar variation 3762111 (VCV003762111.8).

ClinVar aggregate classification (germline): Uncertain significance. Review status: criteria provided, multiple submitters, no conflicts (2 of 4 stars). 2 submissions from 2 submitters: Uncertain significance (2). Last evaluated 2025-11-01.

Conditions:
Emery-Dreifuss muscular dystrophy 4, autosomal dominant (EDMD4). Also called: EMERY-DREIFUSS MUSCULAR DYSTROPHY 4 WITH VARIABLE FEATURES. Identifiers: Orphanet 261, MedGen C2751807, MONDO:0013071, OMIM 612998.
Autosomal recessive ataxia, Beauce type. Also called: SYNE1-Related Autosomal Recessive Cerebellar Ataxia; Spinocerebellar ataxia, autosomal recessive 8; ATAXIA, RECESSIVE, OF BEAUCE; SYNE1 Deficiency. Identifiers: Orphanet 88644, MedGen C1853116, MONDO:0012549, OMIM 610743.

gnomAD v4.1: 26 of 1,614,034 alleles (0.0016%); highest among the groups gnomAD compares: Non-Finnish European, 0.0021%; no homozygotes.

Submissions (2):

CeGaT Center for Human Genetics Tuebingen
Classification: Uncertain significance. Last evaluated: 2025-11-01. Review status: criteria provided, single submitter. Criteria: CeGaT Center For Human Genetics Tuebingen Variant Classification Criteria Version 2. Collection method: clinical testing. Allele origin: germline. Affected: yes. Observed: 1 variant allele.
Comment: SYNE1: PM2, BP4

Labcorp Genetics (formerly Invitae), Labcorp
Classification: Uncertain significance for Emery-Dreifuss muscular dystrophy 4, autosomal dominant; Autosomal recessive ataxia, Beauce type. Last evaluated: 2024-03-07. Review status: criteria provided, single submitter. Criteria: Invitae Variant Classification Sherloc (09022015). Collection method: clinical testing. Allele origin: germline.
Comment: This sequence change replaces aspartic acid, which is acidic and polar, with asparagine, which is neutral and polar, at codon 5761 of the SYNE1 protein (p.Asp5761Asn). This variant is present in population databases (rs760887415, gnomAD 0.003%). This variant has not been reported in the literature in individuals affected with SYNE1-related conditions. An algorithm developed to predict the effect of missense changes on protein structure and function (PolyPhen-2) suggests that this variant is likely to be tolerated. In summary, the available evidence is currently insufficient to determine the role of this variant in disease. Therefore, it has been classified as a Variant of Uncertain Significance.